The following is an entry in ClinVar:

NM_152564.5(VPS13B):c.229G>A (p.Glu77Lys)

Gene: VPS13B (vacuolar protein sorting 13 homolog B; plus strand). Cytogenetic location: 8q22.2.
Variant type: single nucleotide variant.
Coding change: c.229G>A on transcript NM_152564.5 (MANE Select); coding-DNA position 229, G replaced by A.
Protein change: p.Glu77Lys; replaces glutamic acid 77 with lysine.
Molecular consequence: missense variant. On other transcripts: non-coding transcript variant (1).
Genome position (GRCh38, 1-based): chr8:99,038,504, G>A. VCF-style: chr8-99038504-G-A. GRCh37 (hg19) VCF-style: chr8-100050732-G-A.
Other names: c.229G>A, p.Glu77Lys (NM_015243.3, NM_017890.5, NM_181661.3); short protein forms E77K.
Identifiers: ClinVar variation 2428247 (VCV002428247.6), dbSNP rs2488267709, ClinGen allele CA371859767.

ClinVar aggregate classification (germline): Uncertain significance (1 of 4 stars; one submission).

Conditions:
Cohen syndrome (COH1). Also called: Cutis verticis gyrata, retinitis pigmentosa, and sensorineural deafness; PEPPER SYNDROME. Identifiers: Orphanet 193, MedGen C0265223, MONDO:0008999, OMIM 216550.

Submission:

Labcorp Genetics (formerly Invitae), Labcorp
Classification: Uncertain significance for Cohen syndrome. Last evaluated: 2022-10-08. Review status: criteria provided, single submitter. Criteria: Invitae Variant Classification Sherloc (09022015). Collection method: clinical testing. Allele origin: germline.
Comment: In summary, the available evidence is currently insufficient to determine the role of this variant in disease. Therefore, it has been classified as a Variant of Uncertain Significance. Advanced modeling of protein sequence and biophysical properties (such as structural, functional, and spatial information, amino acid conservation, physicochemical variation, residue mobility, and thermodynamic stability) performed at Invitae indicates that this missense variant is expected to disrupt VPS13B protein function. This variant has not been reported in the literature in individuals affected with VPS13B-related conditions. This variant is not present in population databases (gnomAD no frequency). This sequence change replaces glutamic acid, which is acidic and polar, with lysine, which is basic and polar, at codon 77 of the VPS13B protein (p.Glu77Lys).